The following is an entry in ClinVar:

NM_001369.3(DNAH5):c.3154A>C (p.Ser1052Arg)

Genes: DNAH5 (dynein axonemal heavy chain 5; minus strand), DNAH5-AS1 (DNAH5 antisense RNA 1; plus strand). Cytogenetic location: 5p15.2.
Variant type: single nucleotide variant.
Coding change: c.3154A>C on transcript NM_001369.3 (MANE Select); coding-DNA position 3154, A replaced by C.
Protein change: p.Ser1052Arg; replaces serine 1052 with arginine.
Molecular consequence: missense variant.
Genome position (GRCh38, 1-based): chr5:13,882,924, T>G on the plus strand (A>C on the coding strand, the complement: DNAH5 is on the minus strand). VCF-style: chr5-13882924-T-G. GRCh37 (hg19) VCF-style: chr5-13883033-T-G.
Other names: short protein forms S1052R.
Identifiers: ClinVar variation 846925 (VCV000846925.8), dbSNP rs367835771, ClinGen allele CA3204381.
Genomic context (GRCh38, chr5:13,882,924, plus strand): 5'-GTGGTTTCCATATGAAACCATTTCTGCACCCCATACCCACCTTGGACAACAGTTCACTGC[T>G]CCACTGTCTGACCCCCTTAGGGACACTGATGATGCACTCCACGGCTTTGTTCAGGGTCTG-3'
Protein context (NP_001360.1, residues 1042-1062): ISVPKGVRQW[Ser1052Arg]SELLSKKKIQ

ClinVar aggregate classification (germline): Uncertain significance. Review status: criteria provided, single submitter (1 of 4 stars). 2 submissions from 2 submitters: Uncertain significance (1). 1 of the submissions does not count toward it. Last evaluated 2021-08-31.

Conditions:
Primary ciliary dyskinesia. Also called: Ciliary dyskinesia. Identifiers: Orphanet 244, MedGen C0008780, MONDO:0016575, HP:0012265.

Allele frequency attached by ClinVar (database versions not stated): ExAC 0.00001; gnomAD 0.00001; ESP Exome Variant Server 0.00008; TOPMed below 0.00001.
gnomAD v4.1: 21 of 1,614,060 alleles (0.0013%); highest among the groups gnomAD compares: Non-Finnish European, 0.0017%; no homozygotes.

Submissions (2):

Labcorp Genetics (formerly Invitae), Labcorp
Classification: Uncertain significance for Primary ciliary dyskinesia. Last evaluated: 2021-08-31. Review status: criteria provided, single submitter. Criteria: Invitae Variant Classification Sherloc (09022015). Collection method: clinical testing. Allele origin: germline.
Comment: This sequence change replaces serine with arginine at codon 1052 of the DNAH5 protein (p.Ser1052Arg). The serine residue is highly conserved and there is a moderate physicochemical difference between serine and arginine. This variant is present in population databases (rs367835771, ExAC 0.001%). This variant has not been reported in the literature in individuals affected with DNAH5-related conditions. Algorithms developed to predict the effect of missense changes on protein structure and function are either unavailable or do not agree on the potential impact of this missense change (SIFT: "Deleterious"; PolyPhen-2: "Benign"; Align-GVGD: "Class C0"). In summary, the available evidence is currently insufficient to determine the role of this variant in disease. Therefore, it has been classified as a Variant of Uncertain Significance.

Natera, Inc.
Classification: Uncertain significance for Primary ciliary dyskinesia. Last evaluated: 2020-09-16. Review status: no assertion criteria provided. Collection method: clinical testing. Allele origin: germline. Not counted in ClinVar's aggregate classification.